The following is an entry in ClinVar:

ClinVar aggregate classification (germline): Uncertain significance (1 of 4 stars; one submission).

Conditions:
Propionic acidemia (PROP). Also called: GLYCINEMIA, KETOTIC; HYPERGLYCINEMIA WITH KETOACIDOSIS AND LEUKOPENIA; KETOTIC HYPERGLYCINEMIA. Identifiers: Orphanet 35, MedGen C0268579, MONDO:0011628, OMIM 606054, HP:0003571.

Allele frequency attached by ClinVar (database versions not stated): gnomAD 0.00001.
gnomAD v4.1: 31 of 1,613,914 alleles (0.0019%); highest among the groups gnomAD compares: Non-Finnish European, 0.0026%; no homozygotes.

Submission:

Labcorp Genetics (formerly Invitae), Labcorp
Classification: Uncertain significance for Propionic acidemia. Last evaluated: 2021-12-17. Review status: criteria provided, single submitter. Criteria: Invitae Variant Classification Sherloc (09022015). Collection method: clinical testing. Allele origin: germline.
Comment: This sequence change replaces cysteine, which is neutral and slightly polar, with tyrosine, which is neutral and polar, at codon 712 of the PCCA protein (p.Cys712Tyr). This variant is present in population databases (no rsID available, gnomAD 0.007%). This variant has not been reported in the literature in individuals affected with PCCA-related conditions. Advanced modeling of protein sequence and biophysical properties (such as structural, functional, and spatial information, amino acid conservation, physicochemical variation, residue mobility, and thermodynamic stability) performed at Invitae indicates that this missense variant is not expected to disrupt PCCA protein function. In summary, the available evidence is currently insufficient to determine the role of this variant in disease. Therefore, it has been classified as a Variant of Uncertain Significance.

NM_000282.4(PCCA):c.2135G>A (p.Cys712Tyr)

Gene: PCCA (propionyl-CoA carboxylase subunit alpha; plus strand). Cytogenetic location: 13q32.3.
Variant type: single nucleotide variant.
Coding change: c.2135G>A on transcript NM_000282.4 (MANE Select); coding-DNA position 2135, G replaced by A.
Protein change: p.Cys712Tyr; replaces cysteine 712 with tyrosine.
Molecular consequence: missense variant. On other transcripts: non-coding transcript variant (5).
Genome position (GRCh38, 1-based): chr13:100,530,114, G>A. VCF-style: chr13-100530114-G-A. GRCh37 (hg19) VCF-style: chr13-101182368-G-A.
Other names: c.2057G>A, p.Cys686Tyr (NM_001127692.3); c.1994G>A, p.Cys665Tyr (NM_001178004.2); c.2081G>A, p.Cys694Tyr (NM_001352605.2); c.1991G>A, p.Cys664Tyr (NM_001352606.2); c.1916G>A, p.Cys639Tyr (NM_001352607.2); c.1913G>A, p.Cys638Tyr (NM_001352608.2); c.1190G>A, p.Cys397Tyr (NM_001352610.2); c.1136G>A, p.Cys379Tyr (NM_001352611.2); and 1 more; short protein forms C397Y, C638Y, C686Y, C349Y, C664Y, C694Y, C379Y, C639Y.
Identifiers: ClinVar variation 2185296 (VCV002185296.1), dbSNP rs1227066453, ClinGen allele CA388641049.
Genomic context (GRCh38, chr13:100,530,114, plus strand): 5'-CTAATTCTTACTCTCCCCTCCCCCTGCATTTTTCAAAATTCAAGGTGAAATCTGTGCACT[G>A]TCAAGCTGGAGACACAGTTGGAGAAGGGGATCTGCTCGTGGAGCTGGAATGAAGGATTTA-3'
Protein context (NP_000273.2, residues 702-722): GKTGTVKSVH[Cys712Tyr]QAGDTVGEGD